The following is an entry in ClinVar:

NM_004937.3(CTNS):c.588C>T (p.Asn196=)

Genes: CTNS (cystinosin, lysosomal cystine transporter; plus strand), CTNS-AS1 (CTNS antisense RNA 1; minus strand). Cytogenetic location: 17p13.2.
Variant type: single nucleotide variant.
Coding change: c.588C>T on transcript NM_004937.3 (MANE Select); coding-DNA position 588, C replaced by T.
Protein change: p.Asn196=; no amino-acid change (asparagine 196 retained).
Molecular consequence: synonymous variant.
Genome position (GRCh38, 1-based): chr17:3,656,702, C>T. VCF-style: chr17-3656702-C-T. GRCh37 (hg19) VCF-style: chr17-3559996-C-T.
Other names: c.588C>T, p.Asn196= (NM_001031681.3, NM_001374492.1); c.147C>T, p.Asn49= (NM_001374493.1, NM_001374494.1, NM_001374495.1 and 1 more transcripts).
Identifiers: ClinVar variation 795329 (VCV000795329.31), dbSNP rs757955245, ClinGen allele CA8291794.
Genomic context (GRCh38, chr17:3,656,702, plus strand): 5'-CCTCACCACCCAGCTTCTCCCACCCACCAAACAGGAGCAGTTTCTCCTCAAATACCCCAA[C>T]GGAGTGAACCCCGTGAACAGCAACGACGTCTTCTTCAGCCTGCACGCGGTTGTCCTCACG-3'
Protein context (NP_004928.2, residues 186-206): IKEQFLLKYP[Asn196=]GVNPVNSNDV

ClinVar aggregate classification (germline): Likely benign. Review status: criteria provided, multiple submitters, no conflicts (2 of 4 stars). 2 submissions from 2 submitters: Likely benign (2). Last evaluated 2025-09-26.

Conditions:
Inborn genetic diseases. Identifiers: MedGen C0950123, MeSH D030342.
Ocular cystinosis. Also called: Non-Nephropathic Cystinosis; Non-Nephropathic (Ocular) Cystinosis. Identifiers: Orphanet 213, Orphanet 411641, MedGen C2931013, MONDO:0009064, OMIM 219750.
Juvenile nephropathic cystinosis. Also called: Intermediate Cystinosis; Later-Onset (Juvenile) Cystinosis; CYSTINOSIS, LATE-ONSET JUVENILE OR ADOLESCENT NEPHROPATHIC TYPE. Identifiers: Orphanet 213, Orphanet 411634, MedGen C0268626, MONDO:0009066, OMIM 219900.

Allele frequency attached by ClinVar (database versions not stated): gnomAD 0.00001 and 0.00002; ExAC 0.00002; TOPMed 0.00002; gnomAD exomes 0.00003.
gnomAD v4.1: 22 of 1,613,218 alleles (0.0014%); highest among the groups gnomAD compares: Admixed American, 0.01%; no homozygotes.

Submissions (2):

Labcorp Genetics (formerly Invitae), Labcorp
Classification: Likely benign for Inborn genetic diseases; Ocular cystinosis; Juvenile nephropathic cystinosis. Last evaluated: 2025-09-26. Review status: criteria provided, single submitter. Criteria: Invitae Variant Classification Sherloc (09022015). Collection method: clinical testing. Allele origin: germline.

CeGaT Center for Human Genetics Tuebingen
Classification: Likely benign. Last evaluated: 2024-06-01. Review status: criteria provided, single submitter. Criteria: CeGaT Center For Human Genetics Tuebingen Variant Classification Criteria Version 2. Collection method: clinical testing. Allele origin: germline. Affected: yes. Observed: 1 variant allele.
Comment: CTNS: BP4, BP7